The following is an entry in ClinVar:

ClinVar aggregate classification (germline): Conflicting classifications of pathogenicity. Review status: criteria provided, conflicting classifications (1 of 4 stars). 5 submissions from 5 submitters: Uncertain significance (1); Likely benign (4). Last evaluated 2025-11-24.

Conditions:
PCDH15-related disorder. Also called: PCDH15-related condition; PCDH15-related disorders.
Usher syndrome type 1 (USH1). Also called: RETINITIS PIGMENTOSA AND CONGENITAL DEAFNESS. Identifiers: Orphanet 231169, Orphanet 886, MedGen C1568247, MONDO:0010168, OMIM 276900.

Allele frequency attached by ClinVar (database versions not stated): ExAC 0.00001; gnomAD exomes 0.00001 and 0.00002; TOPMed 0.00003; gnomAD 0.00004.
gnomAD v4.1: 10 of 1,613,992 alleles (0.00062%); highest among the groups gnomAD compares: African/African-American, 0.008%; no homozygotes.

Submissions (5):

Labcorp Genetics (formerly Invitae), Labcorp
Classification: Likely benign. Last evaluated: 2025-11-24. Review status: criteria provided, single submitter. Criteria: Invitae Variant Classification Sherloc (09022015). Collection method: clinical testing. Allele origin: germline.

PreventionGenetics, part of Exact Sciences
Classification: Likely benign for PCDH15-related condition. Last evaluated: 2025-03-11. Review status: criteria provided, single submitter. Criteria: ACMG Guidelines, 2015. Collection method: clinical testing. Allele origin: germline.
Comment: This variant is classified as likely benign based on ACMG/AMP sequence variant interpretation guidelines (Richards et al. 2015 PMID: 25741868, with internal and published modifications).

Blueprint Genetics
Classification: Likely benign. Last evaluated: 2023-09-29. Review status: criteria provided, single submitter. Criteria: ACMG Guidelines, 2015. Collection method: clinical testing. Allele origin: germline.

Athena Diagnostics
Classification: Likely benign. Last evaluated: 2019-07-16. Review status: criteria provided, single submitter. Criteria: Athena Diagnostics Criteria. Collection method: clinical testing. Allele origin: germline.

Illumina Laboratory Services, Illumina
Classification: Uncertain significance for Usher syndrome type 1. Last evaluated: 2018-01-12. Review status: criteria provided, single submitter. Criteria: ICSL Variant Classification Criteria 13 December 2019. Collection method: clinical testing. Allele origin: germline.

NM_001384140.1(PCDH15):c.4272A>G (p.Pro1424=)

Gene: PCDH15 (protocadherin related 15; minus strand). Cytogenetic location: 10q21.1.
Variant type: single nucleotide variant.
Coding change: c.4272A>G on transcript NM_001384140.1 (MANE Select); coding-DNA position 4272, A replaced by G.
Protein change: p.Pro1424=; no amino-acid change (proline 1424 retained).
Molecular consequence: synonymous variant.
Genome position (GRCh38, 1-based): chr10:53,827,488, T>C on the plus strand (A>G on the coding strand, the complement: PCDH15 is on the minus strand). VCF-style: chr10-53827488-T-C. GRCh37 (hg19) VCF-style: chr10-55587248-T-C.
Other names: c.4287A>G, p.Pro1429= (NM_001142763.2, NM_001142771.2); c.4272A>G, p.Pro1424= (NM_001142764.2, NM_001142770.3, NM_001142772.2 and 3 more transcripts); c.4059A>G, p.Pro1353= (NM_001142765.2); c.4263A>G, p.Pro1421= (NM_001142766.2); c.4152A>G, p.Pro1384= (NM_001142767.2); c.4206A>G, p.Pro1402= (NM_001142768.2, NM_001354404.2); c.4308A>G, p.Pro1436= (NM_001142769.4); c.4197A>G, p.Pro1399= (NM_001142773.2); and 1 more.
Identifiers: ClinVar variation 300177 (VCV000300177.16), dbSNP rs759109238, ClinGen allele CA5505384.